The following is an entry in ClinVar:

NM_025114.4(CEP290):c.517-1G>A

Gene: CEP290 (centrosomal protein 290; minus strand). Cytogenetic location: 12q21.32.
Variant type: single nucleotide variant.
Coding change: c.517-1G>A on transcript NM_025114.4 (MANE Select); the canonical splice acceptor site of the intron before coding-DNA position 517, G replaced by A.
Molecular consequence: splice acceptor variant.
Genome position (GRCh38, 1-based): chr12:88,130,421, C>T on the plus strand (G>A on the coding strand, the complement: CEP290 is on the minus strand). VCF-style: chr12-88130421-C-T. GRCh37 (hg19) VCF-style: chr12-88524198-C-T.
Identifiers: ClinVar variation 5004718 (VCV005004718.1).
Genomic context (GRCh38, chr12:88,130,421, plus strand): 5'-TTCTTTCTGTGAATCTATTTGTTTCTGGTAGTCAATAATATCCTGACAAAGTTGTTCATT[C>T]TGAAGGTAACCAAACACAACATTCAATTACAAAACTATTCAGAATAACAAAATCATATCC-3'

ClinVar aggregate classification (germline): Uncertain significance (1 of 4 stars; one submission).

Conditions:
CEP290-related ciliopathy. Also called: CEP290 ciliopathy. Identifiers: MedGen CN305601, MONDO:0100451.

Submission:

Myriad Genetics, Inc.
Classification: Uncertain significance for CEP290-related ciliopathy. Last evaluated: 2026-06-10. Review status: criteria provided, single submitter. Criteria: Myriad Autosomal Dominant, Autosomal Recessive and X-Linked Classification Criteria (2023). Collection method: clinical testing. Allele origin: unknown.
Comment: NM_025114.3(CEP290):c.517-1G>A is a variant in a canonical splice site classified as a variant of uncertain significance in the context of CEP290-related disorders. c.517-1G>A has not been observed in cases with relevant disease. Relevant functional assessments of this variant are not available in the literature. c.517-1G>A has not been observed in referenced population frequency databases. In summary, there is insufficient evidence to classify NM_025114.3(CEP290):c.517-1G>A as pathogenic or benign. Please note: this variant was assessed in the context of healthy population screening.